The following is an entry in ClinVar:

NM_003280.3(TNNC1):c.139A>G (p.Met47Val)

Gene: TNNC1 (troponin C1, slow skeletal and cardiac type; minus strand). Cytogenetic location: 3p21.1.
Variant type: single nucleotide variant.
Coding change: c.139A>G on transcript NM_003280.3 (MANE Select); coding-DNA position 139, A replaced by G.
Protein change: p.Met47Val; replaces methionine 47 with valine.
Molecular consequence: missense variant.
Genome position (GRCh38, 1-based): chr3:52,452,169, T>C on the plus strand (A>G on the coding strand, the complement: TNNC1 is on the minus strand). VCF-style: chr3-52452169-T-C. GRCh37 (hg19) VCF-style: chr3-52486185-T-C.
Other names: short protein forms M47V.
Identifiers: ClinVar variation 4787125 (VCV004787125.1).

ClinVar aggregate classification (germline): Uncertain significance (1 of 4 stars; one submission).

Conditions:
Hypertrophic cardiomyopathy 13. Also called: TNNC1-Related Familial Hypertrophic Cardiomyopathy. Identifiers: MedGen C2750472, MONDO:0013195, OMIM 613243.
Dilated cardiomyopathy 1Z (CMD1Z). Identifiers: Orphanet 154, MedGen C2678475, MONDO:0012745, OMIM 611879.

Submission:

Labcorp Genetics (formerly Invitae), Labcorp
Classification: Uncertain significance for Hypertrophic cardiomyopathy 13; Dilated cardiomyopathy 1Z. Last evaluated: 2025-12-24. Review status: criteria provided, single submitter. Criteria: Invitae Variant Classification Sherloc (09022015). Collection method: clinical testing. Allele origin: germline.
Comment: This sequence change replaces methionine, which is neutral and non-polar, with valine, which is neutral and non-polar, at codon 47 of the TNNC1 protein (p.Met47Val). This variant is not present in population databases (gnomAD no frequency). This variant has not been reported in the literature in individuals affected with TNNC1-related conditions. An algorithm developed to predict the effect of missense changes on protein structure and function (PolyPhen-2) suggests that this variant is likely to be disruptive. In summary, the available evidence is currently insufficient to determine the role of this variant in disease. Therefore, it has been classified as a Variant of Uncertain Significance.